The following is an entry in ClinVar:

ClinVar aggregate classification (germline): Conflicting classifications of pathogenicity. Review status: criteria provided, conflicting classifications (1 of 4 stars). 8 submissions from 8 submitters: Uncertain significance (1); Likely benign (6). 1 of the submissions does not count toward it. Last evaluated 2026-02-01.

Conditions:
Cardiovascular phenotype. Identifiers: MedGen CN230736.
Glycogen storage disease, type II (IOPD). Also called: Glucosidase acid-1,4-alpha deficiency; Glycogen storage disease type 2; Acid maltase deficiency disease; Aglucosidase alfa; Deficiency of alpha-glucosidase; Deficiency of lysosomal alpha-glucosidase. Identifiers: Orphanet 365, MedGen C0017921, MONDO:0009290, OMIM 232300.

Allele frequency attached by ClinVar (database versions not stated): ExAC 0.00007; ESP Exome Variant Server 0.00015; gnomAD 0.00015 and 0.00017; TOPMed 0.00019; 1000 Genomes Project 30x 0.00031; 1000 Genomes Project 0.00040.
gnomAD v4.1: 115 of 1,611,940 alleles (0.0071%); highest among the groups gnomAD compares: East Asian, 0.17%; no homozygotes.

Submissions (8):

Labcorp Genetics (formerly Invitae), Labcorp
Classification: Likely benign for Glycogen storage disease, type II. Last evaluated: 2026-02-01. Review status: criteria provided, single submitter. Criteria: Invitae Variant Classification Sherloc (09022015). Collection method: clinical testing. Allele origin: germline.

Blueprint Genetics
Classification: Likely benign. Last evaluated: 2024-06-06. Review status: criteria provided, single submitter. Criteria: ACMG Guidelines, 2015. Collection method: clinical testing. Allele origin: germline.

Ambry Genetics
Classification: Likely benign for Cardiovascular phenotype. Last evaluated: 2022-12-25. Review status: criteria provided, single submitter. Criteria: Ambry Variant Classification Scheme 2023. Collection method: clinical testing. Allele origin: germline.

Genome-Nilou Lab
Classification: Likely benign for Glycogen storage disease, type II. Last evaluated: 2021-07-22. Review status: criteria provided, single submitter. Criteria: ACMG Guidelines, 2015. Collection method: clinical testing. Allele origin: germline. Affected: no.

Broad Center for Mendelian Genomics, Broad Institute of MIT and Harvard
Classification: Likely benign for Glycogen storage disease, type II. Last evaluated: 2020-01-22. Review status: criteria provided, single submitter. Criteria: ACMG Guidelines, 2015. Collection method: curation. Allele origin: germline. Inheritance: Autosomal recessive inheritance.
Comment: The c.1848C>T (p.Asp616=) variant in GAA has not been previously reported in individuals with Glycogen Storage Disease II but has been reported as a VUS by EGL Genetic Diagnostics and a likely benign variant by Invitae in ClinVar (Variation ID: 284449). This variant has been identified in 0.034% (8/23840) of African chromosomes by the Genome Aggregation Database (gnomAD; dbSNP rs377175810). Although this variant has been seen in the general population, its frequency is low enough to be consistent with a recessive carrier frequency. Computational prediction tools and conservation analyses suggest that this variant may not impact the protein, though this information is not predictive enough to rule out pathogenicity. However, novel synonymous variants supported by computational evidence without raised suspicion for an impact are likely benign (Richards 2015). In summary, although additional studies are required to fully establish its clinical significance, this variant is likely benign. ACMG/AMP Criteria applied: PM2, BP4, BP7 (Richards 2015).

GeneDx
Classification: Likely benign. Last evaluated: 2019-04-02. Review status: criteria provided, single submitter. Criteria: GeneDx Variant Classification Process June 2021. Collection method: clinical testing. Allele origin: germline. Affected: yes.

Eurofins Ntd Llc (ga)
Classification: Uncertain significance. Last evaluated: 2015-10-30. Review status: criteria provided, single submitter. Criteria: EGL Classification Definitions 2015. Collection method: clinical testing. Allele origin: germline. Observed: 3 variant alleles, 3 heterozygotes.

Natera, Inc.
Classification: Likely benign for Glycogen storage disease type II. Last evaluated: 2021-02-22. Review status: no assertion criteria provided. Collection method: clinical testing. Allele origin: germline. Not counted in ClinVar's aggregate classification.

NM_000152.5(GAA):c.1848C>T (p.Asp616=)

Gene: GAA (alpha glucosidase; plus strand). Cytogenetic location: 17q25.3.
Variant type: single nucleotide variant.
Coding change: c.1848C>T on transcript NM_000152.5 (MANE Select); coding-DNA position 1848, C replaced by T.
Protein change: p.Asp616=; no amino-acid change (aspartic acid 616 retained).
Molecular consequence: synonymous variant.
Genome position (GRCh38, 1-based): chr17:80,112,671, C>T. VCF-style: chr17-80112671-C-T. GRCh37 (hg19) VCF-style: chr17-78086470-C-T.
Other names: c.1848C>T (LRG_673t1); c.1848C>T, p.Asp616= (NM_001079803.3, NM_001079804.3).
Identifiers: ClinVar variation 284449 (VCV000284449.29), dbSNP rs377175810, ClinGen allele CA8815498.